The following is an entry in ClinVar:

NM_000246.4(CIITA):c.2615G>T (p.Gly872Val)

Gene: CIITA (class II major histocompatibility complex transactivator; plus strand). Cytogenetic location: 16p13.13.
Variant type: single nucleotide variant.
Coding change: c.2615G>T on transcript NM_000246.4 (MANE Select); coding-DNA position 2615, G replaced by T.
Protein change: p.Gly872Val; replaces glycine 872 with valine.
Molecular consequence: missense variant. On other transcripts: intron variant (1).
Genome position (GRCh38, 1-based): chr16:10,908,107, G>T. VCF-style: chr16-10908107-G-T. GRCh37 (hg19) VCF-style: chr16-11001964-G-T.
Other names: c.860-876G>T (NM_001286403.2); c.2618G>T, p.Gly873Val (NM_001286402.1, NM_001379332.1); c.2471G>T, p.Gly824Val (NM_001379330.1); c.2468G>T, p.Gly823Val (NM_001379331.1); c.2615G>T, p.Gly872Val (NM_001379333.1); c.2546G>T, p.Gly849Val (NM_001379334.1); short protein forms G872V, G849V, G873V, G823V, G824V.
Identifiers: ClinVar variation 3727181 (VCV003727181.1).

ClinVar aggregate classification (germline): Uncertain significance (1 of 4 stars; one submission).

Conditions:
MHC class II deficiency. Also called: Bare lymphocyte syndrome 2; BLS, TYPE II. Identifiers: Orphanet 572, MedGen C5447452, MONDO:0008855.

gnomAD v4.1: 1 of 1,597,428 alleles (0.000063%); highest among the groups gnomAD compares: Non-Finnish European, 0.000085%; no homozygotes.

Submission:

Labcorp Genetics (formerly Invitae), Labcorp
Classification: Uncertain significance for MHC class II deficiency. Last evaluated: 2024-12-12. Review status: criteria provided, single submitter. Criteria: Invitae Variant Classification Sherloc (09022015). Collection method: clinical testing. Allele origin: germline.
Comment: This sequence change replaces glycine, which is neutral and non-polar, with valine, which is neutral and non-polar, at codon 872 of the CIITA protein (p.Gly872Val). This variant is not present in population databases (gnomAD no frequency). This variant has not been reported in the literature in individuals affected with CIITA-related conditions. An algorithm developed to predict the effect of missense changes on protein structure and function (PolyPhen-2) suggests that this variant is likely to be disruptive. In summary, the available evidence is currently insufficient to determine the role of this variant in disease. Therefore, it has been classified as a Variant of Uncertain Significance.